The following is an entry in ClinVar:

ClinVar aggregate classification (germline): Uncertain significance (1 of 4 stars; one submission).

Conditions:
Familial thoracic aortic aneurysm and aortic dissection (TAAD). Also called: Thoracic aortic aneurysms and dissections. Identifiers: Orphanet 91387, MedGen C4707243, MONDO:0019625.

Allele frequency attached by ClinVar (database versions not stated): gnomAD exomes below 0.00001; TOPMed 0.00002.
gnomAD v4.1: 1 of 1,614,152 alleles (0.000062%); highest among the groups gnomAD compares: Non-Finnish European, 0.000085%; no homozygotes.

Submission:

Color Diagnostics, LLC DBA Color Health
Classification: Uncertain significance for Familial thoracic aortic aneurysm and aortic dissection. Last evaluated: 2024-03-06. Review status: criteria provided, single submitter. Criteria: ACMG Guidelines, 2015. Collection method: clinical testing. Allele origin: germline.
Comment: This missense variant replaces glutamic acid with lysine at codon 1466 of the MYH11 protein. Computational prediction suggests that this variant may have deleterious impact on protein structure and function (internally defined REVEL score threshold >= 0.7, PMID: 27666373). Splice site prediction tools suggest that this variant may not impact RNA splicing. To our knowledge, functional studies have not been performed for this variant. This variant has not been reported in individuals affected with cardiovascular disorders in the literature. This variant has not been identified in the general population by the Genome Aggregation Database (gnomAD). The available evidence is insufficient to determine the role of this variant in disease conclusively. Therefore, this variant is classified as a Variant of Uncertain Significance.

NM_002474.3(MYH11):c.4375G>A (p.Glu1459Lys)

Genes: NDE1 (nudE neurodevelopment protein 1; plus strand), MYH11 (myosin heavy chain 11; minus strand). Cytogenetic location: 16p13.11.
Variant type: single nucleotide variant.
Coding change: c.4375G>A on transcript NM_002474.3 (MANE Select); coding-DNA position 4375, G replaced by A.
Protein change: p.Glu1459Lys; replaces glutamic acid 1459 with lysine.
Molecular consequence: missense variant. On other transcripts: intron variant (2).
Genome position (GRCh38, 1-based): chr16:15,721,625, C>T on the plus strand (G>A on the coding strand, the complement: MYH11 is on the minus strand). VCF-style: chr16-15721625-C-T. GRCh37 (hg19) VCF-style: chr16-15815482-C-T.
Other names: c.4396G>A, p.Glu1466Lys (NM_001040113.2, NM_001040114.2); c.4375G>A, p.Glu1459Lys (NM_022844.3); c.948-2566C>T (NM_001143979.2, NM_017668.3); short protein forms E1459K, E1466K.
Identifiers: ClinVar variation 919373 (VCV000919373.4), dbSNP rs1159818787, ClinGen allele CA394855661.
Genomic context (GRCh38, chr16:15,721,625, plus strand): 5'-TGGCTTCTGCCTCAGCTCTGTCCCTCTCATCCGCGTATTTGGAAGAGATGTTTTTCTCCT[C>T]GGCTAACAACTACAACACAAGACCCAGAGGTGACTTCTAGGCATATCCGGGGTCAGCGTC-3'
Protein context (NP_002465.1, residues 1449-1469): KQRKFDQLLA[Glu1459Lys]EKNISSKYAD